The following is an entry in ClinVar:

NM_002246.3(KCNK3):c.1067C>A (p.Thr356Lys)

Gene: KCNK3 (potassium two pore domain channel subfamily K member 3; plus strand). Cytogenetic location: 2p23.3.
Variant type: single nucleotide variant.
Coding change: c.1067C>A on transcript NM_002246.3 (MANE Select); coding-DNA position 1067, C replaced by A.
Protein change: p.Thr356Lys; replaces threonine 356 with lysine.
Molecular consequence: missense variant.
Genome position (GRCh38, 1-based): chr2:26,728,450, C>A. VCF-style: chr2-26728450-C-A. GRCh37 (hg19) VCF-style: chr2-26951318-C-A.
Other names: short protein forms T356K.
Identifiers: ClinVar variation 864183 (VCV000864183.9), dbSNP rs777780035, ClinGen allele CA346263359.

ClinVar aggregate classification (germline): Uncertain significance (1 of 4 stars; one submission).

Conditions:
Pulmonary hypertension, primary, 4. Identifiers: Orphanet 422, MedGen C3809198, MONDO:0014136, OMIM 615344.

gnomAD v4.1: 1 of 1,580,662 alleles (0.000063%); highest among the groups gnomAD compares: Non-Finnish European, 0.000086%; no homozygotes.

Submission:

Labcorp Genetics (formerly Invitae), Labcorp
Classification: Uncertain significance for Pulmonary hypertension, primary, 4. Last evaluated: 2024-02-17. Review status: criteria provided, single submitter. Criteria: Invitae Variant Classification Sherloc (09022015). Collection method: clinical testing. Allele origin: germline.
Comment: This sequence change replaces threonine, which is neutral and polar, with lysine, which is basic and polar, at codon 356 of the KCNK3 protein (p.Thr356Lys). This variant is not present in population databases (gnomAD no frequency). This variant has not been reported in the literature in individuals affected with KCNK3-related conditions. ClinVar contains an entry for this variant (Variation ID: 864183). An algorithm developed to predict the effect of missense changes on protein structure and function (PolyPhen-2) suggests that this variant is likely to be tolerated. In summary, the available evidence is currently insufficient to determine the role of this variant in disease. Therefore, it has been classified as a Variant of Uncertain Significance.